The following is an entry in ClinVar:

NM_014918.5(CHSY1):c.1957C>G (p.Gln653Glu)

Gene: CHSY1 (chondroitin sulfate synthase 1; minus strand). Cytogenetic location: 15q26.3.
Variant type: single nucleotide variant.
Coding change: c.1957C>G on transcript NM_014918.5 (MANE Select); coding-DNA position 1957, C replaced by G.
Protein change: p.Gln653Glu; replaces glutamine 653 with glutamic acid.
Molecular consequence: missense variant.
Genome position (GRCh38, 1-based): chr15:101,177,840, G>C on the plus strand (C>G on the coding strand, the complement: CHSY1 is on the minus strand). VCF-style: chr15-101177840-G-C. GRCh37 (hg19) VCF-style: chr15-101718045-G-C.
Other names: c.1957C>G (NM_014918.4); short protein forms Q653E.
Identifiers: ClinVar variation 1585330 (VCV001585330.11), dbSNP rs150075110, ClinGen allele CA7762433.

ClinVar aggregate classification (germline): Likely benign. Review status: criteria provided, multiple submitters, no conflicts (2 of 4 stars). 3 submissions from 3 submitters: Likely benign (2). 1 of the submissions does not count toward it. Last evaluated 2025-10-27.

Conditions:
CHSY1-related disorder. Also called: CHSY1-related condition.
Inborn genetic diseases. Identifiers: MedGen C0950123, MeSH D030342.
Temtamy preaxial brachydactyly syndrome (TPBS). Identifiers: Orphanet 363417, MedGen C1854466, MONDO:0011533, OMIM 605282.

Allele frequency attached by ClinVar (database versions not stated): gnomAD exomes 0.00007 and 0.00012; ExAC 0.00014; 1000 Genomes Project 0.00020; 1000 Genomes Project 30x 0.00031; ESP Exome Variant Server 0.00069; gnomAD 0.00080 and 0.00088; TOPMed 0.00093.
gnomAD v4.1: 217 of 1,614,194 alleles (0.013%); highest among the groups gnomAD compares: African/African-American, 0.28%; no homozygotes.

Submissions (3):

Labcorp Genetics (formerly Invitae), Labcorp
Classification: Likely benign for Temtamy preaxial brachydactyly syndrome. Last evaluated: 2025-10-27. Review status: criteria provided, single submitter. Criteria: Invitae Variant Classification Sherloc (09022015). Collection method: clinical testing. Allele origin: germline.

Ambry Genetics
Classification: Likely benign for Inborn genetic diseases. Last evaluated: 2025-10-18. Review status: criteria provided, single submitter. Criteria: Ambry Variant Classification Scheme 2023. Collection method: clinical testing. Allele origin: germline.

PreventionGenetics, part of Exact Sciences
Classification: Likely benign for CHSY1-related condition. Last evaluated: 2022-12-14. Review status: no assertion criteria provided. Collection method: clinical testing. Allele origin: germline. Not counted in ClinVar's aggregate classification.
Comment: This variant is classified as likely benign based on ACMG/AMP sequence variant interpretation guidelines (Richards et al. 2015 PMID: 25741868, with internal and published modifications).